The following is an entry in ClinVar:

ClinVar aggregate classification (germline): Uncertain significance. Review status: criteria provided, multiple submitters, no conflicts (2 of 4 stars). 3 submissions from 3 submitters: Uncertain significance (3). Last evaluated 2025-05-17.

Conditions:
Inborn genetic diseases. Identifiers: MedGen C0950123, MeSH D030342.
Hypotonia, infantile, with psychomotor retardation and characteristic facies 1 (INNFD). Identifiers: Orphanet 371364, Orphanet 700336, MedGen C3809454, MONDO:0024567, OMIM 615419.
Congenital contractures of the limbs and face, hypotonia, and developmental delay (CLIFAHDD). Identifiers: Orphanet 562528, MedGen C4225398, MONDO:0014556, OMIM 616266.

Allele frequency attached by ClinVar (database versions not stated): gnomAD 0.00001; TOPMed 0.00001.
gnomAD v4.1: 6 of 1,592,602 alleles (0.00038%); highest among the groups gnomAD compares: Non-Finnish European, 0.00051%; 1 homozygote.

Submissions (3):

Ambry Genetics
Classification: Uncertain significance for Inborn genetic diseases. Last evaluated: 2025-05-17. Review status: criteria provided, single submitter. Criteria: Ambry Variant Classification Scheme 2023. Collection method: clinical testing. Allele origin: germline.

Labcorp Genetics (formerly Invitae), Labcorp
Classification: Uncertain significance. Last evaluated: 2024-07-01. Review status: criteria provided, single submitter. Criteria: Invitae Variant Classification Sherloc (09022015). Collection method: clinical testing. Allele origin: germline.
Comment: This sequence change replaces leucine, which is neutral and non-polar, with valine, which is neutral and non-polar, at codon 963 of the NALCN protein (p.Leu963Val). This variant is not present in population databases (gnomAD no frequency). This variant has not been reported in the literature in individuals affected with NALCN-related conditions. ClinVar contains an entry for this variant (Variation ID: 972997). An algorithm developed to predict the effect of missense changes on protein structure and function (PolyPhen-2) suggests that this variant is likely to be tolerated. In summary, the available evidence is currently insufficient to determine the role of this variant in disease. Therefore, it has been classified as a Variant of Uncertain Significance.

GeneDx
Classification: Uncertain significance. Last evaluated: 2019-08-29. Review status: criteria provided, single submitter. Criteria: GeneDx Variant Classification Process June 2021. Collection method: clinical testing. Allele origin: germline. Affected: yes.
Comment: Not observed in large population cohorts (Lek et al., 2016); In silico analysis, which includes protein predictors and evolutionary conservation, supports that this variant does not alter protein structure/function; Has not been previously published as pathogenic or benign to our knowledge

NM_052867.4(NALCN):c.2887C>G (p.Leu963Val)

Gene: NALCN (sodium leak channel, non-selective; minus strand). Cytogenetic location: 13q33.1.
Variant type: single nucleotide variant.
Coding change: c.2887C>G on transcript NM_052867.4 (MANE Select); coding-DNA position 2887, C replaced by G.
Protein change: p.Leu963Val; replaces leucine 963 with valine.
Molecular consequence: missense variant.
Genome position (GRCh38, 1-based): chr13:101,104,297, G>C on the plus strand (C>G on the coding strand, the complement: NALCN is on the minus strand). VCF-style: chr13-101104297-G-C. GRCh37 (hg19) VCF-style: chr13-101756648-G-C.
Other names: c.2974C>G, p.Leu992Val (NM_001350748.2); c.2887C>G, p.Leu963Val (NM_001350749.2); c.2800C>G, p.Leu934Val (NM_001350750.2, NM_001350751.2); short protein forms L934V, L963V, L992V.
Identifiers: ClinVar variation 972997 (VCV000972997.8), dbSNP rs890818947, ClinGen allele CA255395246.
Genomic context (GRCh38, chr13:101,104,297, plus strand): 5'-TGCAGGAGATTTTACAAAACCATTACATTTTTCATTTAGGCAATAAGCAAAGACTTACAA[G>C]ATATATAAATATGTCCATTACTCCACCGAAGTCCCTGATGACAGCAGTTGGAGTGAAAAA-3'
Protein context (NP_443099.1, residues 953-973): FGGVMDIFIY[Leu963Val]VSLIFLCWMP